The following is an entry in ClinVar:

ClinVar aggregate classification (germline): Uncertain significance. Review status: criteria provided, multiple submitters, no conflicts (2 of 4 stars). 2 submissions from 2 submitters: Uncertain significance (2). Last evaluated 2025-01-23.

Conditions:
Inborn genetic diseases. Identifiers: MedGen C0950123, MeSH D030342.

Allele frequency attached by ClinVar (database versions not stated): TOPMed below 0.00001; gnomAD 0.00001.
gnomAD v4.1: 9 of 1,614,002 alleles (0.00056%); highest among the groups gnomAD compares: Admixed American, 0.0033%; no homozygotes.

Submissions (2):

Ambry Genetics
Classification: Uncertain significance for Inborn genetic diseases. Last evaluated: 2025-01-23. Review status: criteria provided, single submitter. Criteria: Ambry Variant Classification Scheme 2023. Collection method: clinical testing. Allele origin: germline.

Labcorp Genetics (formerly Invitae), Labcorp
Classification: Uncertain significance. Last evaluated: 2023-02-08. Review status: criteria provided, single submitter. Criteria: Invitae Variant Classification Sherloc (09022015). Collection method: clinical testing. Allele origin: germline.
Comment: Algorithms developed to predict the effect of missense changes on protein structure and function (SIFT, PolyPhen-2, Align-GVGD) all suggest that this variant is likely to be disruptive. This sequence change replaces glycine, which is neutral and non-polar, with cysteine, which is neutral and slightly polar, at codon 329 of the PRKN protein (p.Gly329Cys). This variant is present in population databases (no rsID available, gnomAD 0.006%). This variant has not been reported in the literature in individuals affected with PRKN-related conditions. In summary, the available evidence is currently insufficient to determine the role of this variant in disease. Therefore, it has been classified as a Variant of Uncertain Significance.

NM_004562.3(PRKN):c.985G>T (p.Gly329Cys)

Gene: PRKN (parkin RBR E3 ubiquitin protein ligase; minus strand). Cytogenetic location: 6q26.
Variant type: single nucleotide variant.
Coding change: c.985G>T on transcript NM_004562.3 (MANE Select); coding-DNA position 985, G replaced by T.
Protein change: p.Gly329Cys; replaces glycine 329 with cysteine.
Molecular consequence: missense variant.
Genome position (GRCh38, 1-based): chr6:161,548,952, C>A on the plus strand (G>T on the coding strand, the complement: PRKN is on the minus strand). VCF-style: chr6-161548952-C-A. GRCh37 (hg19) VCF-style: chr6-161969984-C-A.
Other names: c.901G>T, p.Gly301Cys (NM_013987.3); c.538G>T, p.Gly180Cys (NM_013988.3); c.985G>T (NM_004562.2); short protein forms G180C, G301C, G329C.
Identifiers: ClinVar variation 2139773 (VCV002139773.5), dbSNP rs894633561, ClinGen allele CA151481901.